The following is an entry in ClinVar:

ClinVar aggregate classification (germline): Pathogenic. Review status: criteria provided, multiple submitters, no conflicts (2 of 4 stars). 3 submissions from 3 submitters: Pathogenic (3). Last evaluated 2025-07-14.

Conditions:
Hereditary cancer-predisposing syndrome. Also called: Neoplastic Syndromes, Hereditary; Hereditary Cancer Syndrome; Hereditary neoplastic syndrome; Tumor predisposition. Identifiers: Orphanet 140162, MedGen C0027672, MeSH D009386, MONDO:0015356.
Familial adenomatous polyposis 3. Also called: NTHL1-associated polyposis; NTHL1 Tumor Syndrome; NTHL1-related attenuated familial adenomatous polyposis; NTHL1-Related Adenomatous Polyposis and Colorectal Cancer. Identifiers: Orphanet 220460, Orphanet 454840, MedGen C4225157, MONDO:0014630, OMIM 616415.

Submissions (3):

Labcorp Genetics (formerly Invitae), Labcorp
Classification: Pathogenic. Last evaluated: 2025-07-14. Review status: criteria provided, single submitter. Criteria: Invitae Variant Classification Sherloc (09022015). Collection method: clinical testing. Allele origin: germline.
Comment: This sequence change creates a premature translational stop signal (p.Val179Serfs*8) in the NTHL1 gene. It is expected to result in an absent or disrupted protein product. Loss-of-function variants in NTHL1 are known to be pathogenic (PMID: 25938944, 26559593). This variant is present in population databases (no rsID available, gnomAD 0.0009%). This variant has not been reported in the literature in individuals affected with NTHL1-related conditions. ClinVar contains an entry for this variant (Variation ID: 1068685). For these reasons, this variant has been classified as Pathogenic.

Ambry Genetics
Classification: Pathogenic for Hereditary cancer-predisposing syndrome. Last evaluated: 2024-06-15. Review status: criteria provided, single submitter. Criteria: Ambry Variant Classification Scheme 2023. Collection method: clinical testing. Allele origin: germline.
Comment: The c.534delC pathogenic mutation, located in coding exon 3 of the NTHL1 gene, results from a deletion of one nucleotide at nucleotide position 534, causing a translational frameshift with a predicted alternate stop codon (p.V179Sfs*8). This alteration is expected to result in loss of function by premature protein truncation or nonsense-mediated mRNA decay. As such, this alteration is interpreted as a disease-causing mutation.

Myriad Genetics, Inc.
Classification: Pathogenic for Familial adenomatous polyposis 3. Last evaluated: 2023-09-05. Review status: criteria provided, single submitter. Criteria: Myriad Autosomal Dominant, Autosomal Recessive and X-Linked Classification Criteria (2023). Collection method: clinical testing. Allele origin: unknown.
Comment: This variant is considered pathogenic. This variant creates a frameshift predicted to result in premature protein truncation.

Literature cited by the submitters: PubMed 25938944 (cited by Labcorp Genetics (formerly Invitae), Labcorp); PubMed 26559593 (cited by Labcorp Genetics (formerly Invitae), Labcorp).

NM_002528.7(NTHL1):c.510del (p.Val171fs)

Gene: NTHL1 (nth like DNA glycosylase 1; minus strand). Cytogenetic location: 16p13.3.
Variant type: Deletion.
Coding change: c.510del on transcript NM_002528.7 (MANE Select); coding-DNA position 510, one base deleted (C; older notation c.510delC).
Protein change: p.Val171fs; shifts the reading frame from valine 171.
Molecular consequence: frameshift variant. On other transcripts: intron variant (1).
Genome position (GRCh38, 1-based): chr16:2,044,645, G deleted on the plus strand (C on the coding strand, the reverse complement: NTHL1 is on the minus strand); the first of 4 consecutive G bases (chr16:2,044,645-2,044,648); deleting any one gives the same sequence. VCF-style (leftmost placement, unchanged base first): chr16-2044644-CG-C. GRCh37 (hg19) VCF-style: chr16-2094645-CG-C.
Other names: c.534delC (NM_002528.5); c.180del, p.Val61fs (NM_001318194.2); c.355-919del (NM_001318193.2); short protein forms V171fs, V61fs.
Identifiers: ClinVar variation 1068685 (VCV001068685.8), dbSNP rs1567369975, ClinGen allele CA620372513.